The following is an entry in ClinVar:

NM_020693.4(DSCAML1):c.4471A>G (p.Ile1491Val)

Gene: DSCAML1 (DS cell adhesion molecule like 1; minus strand). Cytogenetic location: 11q23.3.
Variant type: single nucleotide variant.
Coding change: c.4471A>G on transcript NM_020693.4 (MANE Select); coding-DNA position 4471, A replaced by G.
Protein change: p.Ile1491Val; replaces isoleucine 1491 with valine.
Molecular consequence: missense variant.
Genome position (GRCh38, 1-based): chr11:117,437,371, T>C on the plus strand (A>G on the coding strand, the complement: DSCAML1 is on the minus strand). VCF-style: chr11-117437371-T-C. GRCh37 (hg19) VCF-style: chr11-117308087-T-C.
Other names: short protein forms I1491V.
Identifiers: ClinVar variation 1983505 (VCV001983505.4), dbSNP rs1000017814, ClinGen allele CA229401676.

ClinVar aggregate classification (germline): Uncertain significance (1 of 4 stars; one submission).

Allele frequency attached by ClinVar (database versions not stated): gnomAD exomes below 0.00001; gnomAD 0.00001; TOPMed 0.00002.
gnomAD v4.1: 5 of 1,613,896 alleles (0.00031%); highest among the groups gnomAD compares: Admixed American, 0.0033%; no homozygotes.

Submission:

Labcorp Genetics (formerly Invitae), Labcorp
Classification: Uncertain significance. Last evaluated: 2022-06-28. Review status: criteria provided, single submitter. Criteria: Invitae Variant Classification Sherloc (09022015). Collection method: clinical testing. Allele origin: germline.
Comment: This variant is present in population databases (no rsID available, gnomAD 0.003%). This variant has not been reported in the literature in individuals affected with DSCAML1-related conditions. Algorithms developed to predict the effect of missense changes on protein structure and function (SIFT, PolyPhen-2, Align-GVGD) all suggest that this variant is likely to be tolerated. In summary, the available evidence is currently insufficient to determine the role of this variant in disease. Therefore, it has been classified as a Variant of Uncertain Significance. This sequence change replaces isoleucine, which is neutral and non-polar, with valine, which is neutral and non-polar, at codon 1551 of the DSCAML1 protein (p.Ile1551Val).